The following is an entry in ClinVar:

ClinVar aggregate classification (germline): Uncertain significance (1 of 4 stars; one submission).

Conditions:
Distal hereditary motor neuropathy type 2. Identifiers: Orphanet 139525, MedGen C3711384, MeSH C580044, MONDO:0015352.

Allele frequency attached by ClinVar (database versions not stated): ExAC 0.00003; TOPMed 0.00008; gnomAD 0.00009.
gnomAD v4.1: 25 of 1,612,708 alleles (0.0016%); highest among the groups gnomAD compares: African/African-American, 0.032%; no homozygotes.

Submission:

Labcorp Genetics (formerly Invitae), Labcorp
Classification: Uncertain significance for Distal hereditary motor neuropathy type 2. Last evaluated: 2025-04-05. Review status: criteria provided, single submitter. Criteria: Invitae Variant Classification Sherloc (09022015). Collection method: clinical testing. Allele origin: germline.
Comment: This sequence change replaces lysine, which is basic and polar, with glutamic acid, which is acidic and polar, at codon 1001 of the FBXO38 protein (p.Lys1001Glu). This variant is present in population databases (rs764602730, gnomAD 0.03%). This variant has not been reported in the literature in individuals affected with FBXO38-related conditions. ClinVar contains an entry for this variant (Variation ID: 2187501). An algorithm developed to predict the effect of missense changes on protein structure and function (PolyPhen-2) suggests that this variant is likely to be disruptive. In summary, the available evidence is currently insufficient to determine the role of this variant in disease. Therefore, it has been classified as a Variant of Uncertain Significance.

NM_205836.3(FBXO38):c.3226A>G (p.Lys1076Glu)

Gene: FBXO38 (F-box protein 38; plus strand). Cytogenetic location: 5q32.
Variant type: single nucleotide variant.
Coding change: c.3226A>G on transcript NM_205836.3 (MANE Select); coding-DNA position 3226, A replaced by G.
Protein change: p.Lys1076Glu; replaces lysine 1076 with glutamic acid.
Molecular consequence: missense variant.
Genome position (GRCh38, 1-based): chr5:148,440,479, A>G. VCF-style: chr5-148440479-A-G. GRCh37 (hg19) VCF-style: chr5-147820042-A-G.
Other names: c.2491A>G, p.Lys831Glu (NM_001271723.2); c.3001A>G, p.Lys1001Glu (NM_030793.5); short protein forms K1001E, K1076E, K831E.
Identifiers: ClinVar variation 2187501 (VCV002187501.4), dbSNP rs764602730, ClinGen allele CA3497688.